The following is an entry in ClinVar:

ClinVar aggregate classification (germline): Uncertain significance (1 of 4 stars; one submission).

Submission:

GeneDx
Classification: Uncertain significance. Last evaluated: 2026-04-23. Review status: criteria provided, single submitter. Criteria: GeneDx Variant Classification Process June 2021. Collection method: clinical testing. Allele origin: germline.
Comment: Not observed at significant frequency in large population cohorts (gnomAD); In silico analysis supports that this missense variant has a deleterious effect on protein structure/function; Has not been previously published as pathogenic or benign to our knowledge

NM_004979.6(KCND1):c.1136T>C (p.Val379Ala)

Gene: KCND1 (potassium voltage-gated channel subfamily D member 1; minus strand). Cytogenetic location: Xp11.23.
Variant type: single nucleotide variant.
Coding change: c.1136T>C on transcript NM_004979.6 (MANE Select); coding-DNA position 1136, T replaced by C.
Protein change: p.Val379Ala; replaces valine 379 with alanine.
Molecular consequence: missense variant.
Genome position (GRCh38, 1-based): chrX:48,967,092, A>G on the plus strand (T>C on the coding strand, the complement: KCND1 is on the minus strand). VCF-style: chrX-48967092-A-G. GRCh37 (hg19) VCF-style: chrX-48823499-A-G.
Other names: short protein forms V379A.
Identifiers: ClinVar variation 5037410 (VCV005037410.1).
Genomic context (GRCh38, chrX:48,967,092, plus strand): 5'-ACCAAGACGCCACTGAGTGAGCAGATGGACCCGAAAATCTTGCCAGCAATGGTGCTGGGC[A>G]CCATGTCTCCGTAGCTGGAGCGAGGGGAGGTAGGCCAAGGTCAGGAAAAGTGCCCACCTA-3'
Protein context (NP_004970.3, residues 369-389): TMTTLGYGDM[Val379Ala]PSTIAGKIFG